The following is an entry in ClinVar:

ClinVar aggregate classification (germline): Likely pathogenic (1 of 4 stars; one submission).

Conditions:
Autosomal recessive polycystic kidney disease (ARPKD). Also called: AR polycystic kidney disease. Identifiers: Orphanet 731, Orphanet 8378, MedGen C0085548, MeSH D017044, MONDO:0009889.

Submission:

Natera, Inc.
Classification: Likely pathogenic for Autosomal recessive polycystic kidney disease. Last evaluated: 2026-01-20. Review status: criteria provided, single submitter. Criteria: Natera Variant Classification Schema (03/2026). Collection method: clinical testing. Allele origin: germline.
Comment: The c.11848_11850delGTGinsACCACCAGTTT variant in PKHD1 is a frameshift variant predicted to shift the reading frame beginning at codon 3950 and leads to a stop codon 91 codons downstream. This variant is expected to result in nonsense mediated decay, truncation, or a dysfunctional protein product. This variant is rare in the general population with a frequency below the threshold expected for the associated phenotype(s). Given the available evidence, this variant is classified as Likely Pathogenic.

NM_138694.4(PKHD1):c.11848_11850delinsACCACCAGTTT (p.Val3950fs)

Gene: PKHD1 (PKHD1 ciliary IPT domain containing fibrocystin/polyductin; minus strand). Cytogenetic location: 6p12.3.
Variant type: Indel.
Coding change: c.11848_11850delinsACCACCAGTTT on transcript NM_138694.4 (MANE Select); coding-DNA positions 11848 to 11850, GTG replaced by ACCACCAGTTT.
Protein change: p.Val3950fs; shifts the reading frame from valine 3950.
Molecular consequence: frameshift variant.
Genome position (GRCh38, 1-based): chr6:51,619,456-51,619,458, CAC replaced by AAACTGGTGGT on the plus strand (GTG replaced by ACCACCAGTTT on the coding strand, the reverse complement: PKHD1 is on the minus strand). VCF-style: chr6-51619456-CAC-AAACTGGTGGT. GRCh37 (hg19) VCF-style: chr6-51484254-CAC-AAACTGGTGGT.
Other names: short protein forms V3950fs.
Identifiers: ClinVar variation 4816564 (VCV004816564.1).